The following is an entry in ClinVar:

ClinVar aggregate classification (germline): Benign. Review status: criteria provided, single submitter (1 of 4 stars). 2 submissions from 2 submitters: Benign (1). 1 of the submissions does not count toward it. Last evaluated 2025-12-16.

Conditions:
HNF4A-related disorder. Also called: HNF4A-related condition.

Allele frequency attached by ClinVar (database versions not stated): gnomAD exomes 0.00013; gnomAD 0.00128; TOPMed 0.00124; 1000 Genomes Project 0.00200.
gnomAD v4.1: 393 of 1,611,020 alleles (0.024%); highest among the groups gnomAD compares: African/African-American, 0.44%; 3 homozygotes.

Submissions (2):

Labcorp Genetics (formerly Invitae), Labcorp
Classification: Benign. Last evaluated: 2025-12-16. Review status: criteria provided, single submitter. Criteria: Invitae Variant Classification Sherloc (09022015). Collection method: clinical testing. Allele origin: germline.

PreventionGenetics, part of Exact Sciences
Classification: Likely benign for HNF4A-related condition. Last evaluated: 2019-02-21. Review status: no assertion criteria provided. Collection method: clinical testing. Allele origin: germline. Not counted in ClinVar's aggregate classification.
Comment: This variant is classified as likely benign based on ACMG/AMP sequence variant interpretation guidelines (Richards et al. 2015 PMID: 25741868, with internal and published modifications).

NM_175914.5(HNF4A):c.50-4746G>A

Gene: HNF4A (hepatocyte nuclear factor 4 alpha; plus strand). Cytogenetic location: 20q13.12.
Variant type: single nucleotide variant.
Coding change: c.50-4746G>A on transcript NM_175914.5 (MANE Select); 4746 bases into the intron before coding-DNA position 50, G replaced by A.
Molecular consequence: intron variant. On other transcripts: 5 prime UTR variant (4).
Genome position (GRCh38, 1-based): chr20:44,401,312, G>A. VCF-style: chr20-44401312-G-A. GRCh37 (hg19) VCF-style: chr20-43029952-G-A.
Other names: c.-61G>A (NM_000457.6, NM_178849.3, NM_178850.3); c.-173G>A (NM_001258355.2); c.41-4746G>A (NM_001287182.2, NM_001287183.2, NM_001287184.2); c.50-4746G>A (NM_001030003.3, NM_001030004.3, NM_175914.4).
Identifiers: ClinVar variation 2857912 (VCV002857912.5), dbSNP rs75356504, ClinGen allele CA315400197.